The following is an entry in ClinVar:

ClinVar aggregate classification (germline): Uncertain significance. Review status: criteria provided, multiple submitters, no conflicts (2 of 4 stars). 2 submissions from 2 submitters: Uncertain significance (2). Last evaluated 2023-07-09.

Conditions:
Hereditary cancer-predisposing syndrome. Also called: Tumor predisposition; Neoplastic Syndromes, Hereditary; Hereditary Cancer Syndrome; Hereditary neoplastic syndrome. Identifiers: Orphanet 140162, MedGen C0027672, MeSH D009386, MONDO:0015356.
Fanconi anemia complementation group J. Also called: BRIP1-Related Fanconi Anemia. Identifiers: Orphanet 84, MedGen C1836860, MONDO:0012187, OMIM 609054.
Familial cancer of breast. Also called: Hereditary breast cancer; hereditary breast carcinoma; BREAST CANCER, FAMILIAL. Identifiers: Orphanet 227535, MedGen C0346153, MONDO:0016419, OMIM 114480. Disease mechanism: loss of function.

Submissions (2):

Ambry Genetics
Classification: Uncertain significance for Hereditary cancer-predisposing syndrome. Last evaluated: 2023-07-09. Review status: criteria provided, single submitter. Criteria: Ambry Variant Classification Scheme 2023. Collection method: clinical testing. Allele origin: germline.
Comment: The p.V13L variant (also known as c.37G>T), located in coding exon 1 of the BRIP1 gene, results from a G to T substitution at nucleotide position 37. The valine at codon 13 is replaced by leucine, an amino acid with highly similar properties. This amino acid position is conserved. In addition, the in silico prediction for this alteration is inconclusive. Since supporting evidence is limited at this time, the clinical significance of this alteration remains unclear.

Labcorp Genetics (formerly Invitae), Labcorp
Classification: Uncertain significance for Familial cancer of breast; Fanconi anemia complementation group J. Last evaluated: 2023-03-26. Review status: criteria provided, single submitter. Criteria: Invitae Variant Classification Sherloc (09022015). Collection method: clinical testing. Allele origin: germline.
Comment: In summary, the available evidence is currently insufficient to determine the role of this variant in disease. Therefore, it has been classified as a Variant of Uncertain Significance. Advanced modeling of protein sequence and biophysical properties (such as structural, functional, and spatial information, amino acid conservation, physicochemical variation, residue mobility, and thermodynamic stability) performed at Invitae indicates that this missense variant is expected to disrupt BRIP1 protein function. This variant has not been reported in the literature in individuals affected with BRIP1-related conditions. This variant is not present in population databases (gnomAD no frequency). This sequence change replaces valine, which is neutral and non-polar, with leucine, which is neutral and non-polar, at codon 13 of the BRIP1 protein (p.Val13Leu).

NM_032043.3(BRIP1):c.37G>T (p.Val13Leu)

Gene: BRIP1 (BRCA1 interacting DNA helicase 1; minus strand). Cytogenetic location: 17q23.2.
Variant type: single nucleotide variant.
Coding change: c.37G>T on transcript NM_032043.3 (MANE Select); coding-DNA position 37, G replaced by T.
Protein change: p.Val13Leu; replaces valine 13 with leucine.
Molecular consequence: missense variant.
Genome position (GRCh38, 1-based): chr17:61,861,503, C>A on the plus strand (G>T on the coding strand, the complement: BRIP1 is on the minus strand). VCF-style: chr17-61861503-C-A. GRCh37 (hg19) VCF-style: chr17-59938864-C-A.
Other names: short protein forms V13L.
Identifiers: ClinVar variation 2587053 (VCV002587053.5), dbSNP rs1488264110, ClinGen allele CA400486022.
Genomic context (GRCh38, chr17:61,861,503, plus strand): 5'-TTACAGAATTCATCATAGCAAGCTGTGACGGGTAAGCTTTATAAGGAAAGTAAATCTTCA[C>A]CCCACCAATTGTATATTCAGACCACATTGAAGACATAGTGCTTTCCTGTTTATTTCAGAT-3'
Protein context (NP_114432.2, residues 3-23): SMWSEYTIGG[Val13Leu]KIYFPYKAYP